The following is an entry in ClinVar:

ClinVar aggregate classification (germline): Uncertain significance. Review status: criteria provided, multiple submitters, no conflicts (2 of 4 stars). 4 submissions from 4 submitters: Uncertain significance (3). 1 of the submissions does not count toward it. Last evaluated 2025-04-07.

Conditions:
Platelet abnormalities with eosinophilia and immune-mediated inflammatory disease. Also called: IMMUNODEFICIENCY 71 WITH INFLAMMATORY DISEASE AND CONGENITAL THROMBOCYTOPENIA. Identifiers: MedGen C4540232, MONDO:0060583, OMIM 617718.
Thrombocytopenia. Identifiers: MedGen C0040034, MeSH D013921, MONDO:0002049, HP:0001873.
Abnormal bleeding. Also called: Bleeding diathesis. Identifiers: MedGen C1458140, HP:0001892.

Allele frequency attached by ClinVar (database versions not stated): ExAC 0.00001; gnomAD 0.00001; gnomAD exomes 0.00002 and 0.00003; TOPMed 0.00002.
gnomAD v4.1: 41 of 1,614,130 alleles (0.0025%); highest among the groups gnomAD compares: Middle Eastern, 0.033%; no homozygotes.

Submissions (4):

Labcorp Genetics (formerly Invitae), Labcorp
Classification: Uncertain significance. Last evaluated: 2025-04-07. Review status: criteria provided, single submitter. Criteria: Invitae Variant Classification Sherloc (09022015). Collection method: clinical testing. Allele origin: germline.
Comment: This sequence change replaces arginine, which is basic and polar, with histidine, which is basic and polar, at codon 103 of the ARPC1B protein (p.Arg103His). This variant is present in population databases (rs11556758, gnomAD 0.006%). This variant has not been reported in the literature in individuals affected with ARPC1B-related conditions. ClinVar contains an entry for this variant (Variation ID: 988854). Invitae Evidence Modeling of protein sequence and biophysical properties (such as structural, functional, and spatial information, amino acid conservation, physicochemical variation, residue mobility, and thermodynamic stability) indicates that this missense variant is not expected to disrupt ARPC1B protein function with a negative predictive value of 80%. In summary, the available evidence is currently insufficient to determine the role of this variant in disease. Therefore, it has been classified as a Variant of Uncertain Significance.

Blueprint Genetics
Classification: Uncertain significance. Last evaluated: 2022-09-02. Review status: criteria provided, single submitter. Criteria: ACMG Guidelines, 2015. Collection method: clinical testing. Allele origin: germline.

Baylor Genetics
Classification: Uncertain significance for Platelet abnormalities with eosinophilia and immune-mediated inflammatory disease. Last evaluated: 2018-03-14. Review status: criteria provided, single submitter. Criteria: ACMG Guidelines, 2015. Collection method: clinical testing. Allele origin: maternal. Affected: yes.
Comment: This variant was determined to be of uncertain significance according to ACMG Guidelines, 2015 [PMID:25741868].

Birmingham Platelet Group; University of Birmingham
Classification: Uncertain significance for Thrombocytopenia; Abnormal bleeding. Last evaluated: 2020-05-01. Review status: no assertion criteria provided. Collection method: research. Allele origin: germline. Affected: yes. Not counted in ClinVar's aggregate classification.

NM_005720.4(ARPC1B):c.308G>A (p.Arg103His)

Gene: ARPC1B (actin related protein 2/3 complex subunit 1B; plus strand). Cytogenetic location: 7q22.1.
Variant type: single nucleotide variant.
Coding change: c.308G>A on transcript NM_005720.4 (MANE Select); coding-DNA position 308, G replaced by A.
Protein change: p.Arg103His; replaces arginine 103 with histidine.
Molecular consequence: missense variant.
Genome position (GRCh38, 1-based): chr7:99,388,177, G>A. VCF-style: chr7-99388177-G-A. GRCh37 (hg19) VCF-style: chr7-98985800-G-A.
Other names: short protein forms R103H.
Identifiers: ClinVar variation 988854 (VCV000988854.6), dbSNP rs11556758, ClinGen allele CA4363972.